The following is an entry in ClinVar:

NM_000918.4(P4HB):c.104C>T (p.Ala35Val)

Gene: P4HB (prolyl 4-hydroxylase subunit beta; minus strand). Cytogenetic location: 17q25.3.
Variant type: single nucleotide variant.
Coding change: c.104C>T on transcript NM_000918.4 (MANE Select); coding-DNA position 104, C replaced by T.
Protein change: p.Ala35Val; replaces alanine 35 with valine.
Molecular consequence: missense variant.
Genome position (GRCh38, 1-based): chr17:81,860,368, G>A on the plus strand (C>T on the coding strand, the complement: P4HB is on the minus strand). VCF-style: chr17-81860368-G-A. GRCh37 (hg19) VCF-style: chr17-79818244-G-A.
Other names: c.104C>T (NM_000918.3); short protein forms A35V.
Identifiers: ClinVar variation 1639119 (VCV001639119.11), dbSNP rs376060719, ClinGen allele CA8843073.

ClinVar aggregate classification (germline): Conflicting classifications of pathogenicity. Review status: criteria provided, conflicting classifications (1 of 4 stars). 3 submissions from 3 submitters: Uncertain significance (1); Benign (1). 1 of the submissions does not count toward it. Last evaluated 2025-04-08.

Conditions:
P4HB-related disorder. Also called: P4HB-related condition.
Inborn genetic diseases. Identifiers: MedGen C0950123, MeSH D030342.

Allele frequency attached by ClinVar (database versions not stated): gnomAD exomes 0.00001 and 0.00004; ExAC 0.00009; ESP Exome Variant Server 0.00029; TOPMed 0.00029; gnomAD 0.00030 and 0.00033.
gnomAD v4.1: 63 of 1,473,188 alleles (0.0043%); highest among the groups gnomAD compares: African/African-American, 0.076%; no homozygotes.

Submissions (3):

Labcorp Genetics (formerly Invitae), Labcorp
Classification: Benign. Last evaluated: 2025-04-08. Review status: criteria provided, single submitter. Criteria: Invitae Variant Classification Sherloc (09022015). Collection method: clinical testing. Allele origin: germline.

Ambry Genetics
Classification: Uncertain significance for Inborn genetic diseases. Last evaluated: 2024-06-19. Review status: criteria provided, single submitter. Criteria: Ambry Variant Classification Scheme 2023. Collection method: clinical testing. Allele origin: germline.

PreventionGenetics, part of Exact Sciences
Classification: Likely benign for P4HB-related condition. Last evaluated: 2023-10-11. Review status: no assertion criteria provided. Collection method: clinical testing. Allele origin: germline. Not counted in ClinVar's aggregate classification.
Comment: This variant is classified as likely benign based on ACMG/AMP sequence variant interpretation guidelines (Richards et al. 2015 PMID: 25741868, with internal and published modifications).